The following is an entry in ClinVar:

ClinVar aggregate classification (germline): Uncertain significance. Review status: criteria provided, multiple submitters, no conflicts (2 of 4 stars). 4 submissions from 4 submitters: Uncertain significance (4). Last evaluated 2024-11-24.

Conditions:
Cardiomyopathy (CMYO). Also called: Cardiomyopathies. Identifiers: Orphanet 167848, MedGen C0878544, MONDO:0004994, HP:0001638. Inheritance: Various modes of inheritance.
Arrhythmogenic cardiomyopathy with wooly hair and keratoderma. Also called: Arrhythmogenic cardiomyopathy with woolly hair and keratoderma; PALMOPLANTAR KERATODERMA WITH LEFT VENTRICULAR CARDIOMYOPATHY AND WOOLLY HAIR; Carvajal syndrome; Dilated cardiomyopathy with woolly hair and keratoderma. Identifiers: Orphanet 65282, MedGen C1854063, MONDO:0011581, OMIM 605676.
Arrhythmogenic right ventricular dysplasia 8 (ARVD8). Also called: ARRHYTHMOGENIC RIGHT VENTRICULAR DYSPLASIA, FAMILIAL, 8; ARRHYTHMOGENIC RIGHT VENTRICULAR CARDIOMYOPATHY 8; Arrhythmogenic Right Ventricular Dysplasia/Cardiomyopathy 8. Identifiers: MedGen C1843896, MONDO:0011831, OMIM 607450.
Cardiovascular phenotype. Identifiers: MedGen CN230736.

gnomAD v4.1: 4 of 1,613,946 alleles (0.00025%); highest among the groups gnomAD compares: Admixed American, 0.0033%; no homozygotes.

Submissions (4):

Ambry Genetics
Classification: Uncertain significance for Cardiovascular phenotype. Last evaluated: 2024-11-24. Review status: criteria provided, single submitter. Criteria: Ambry Variant Classification Scheme 2023. Collection method: clinical testing. Allele origin: germline.

Color Diagnostics, LLC DBA Color Health
Classification: Uncertain significance for Cardiomyopathy. Last evaluated: 2024-03-06. Review status: criteria provided, single submitter. Criteria: ACMG Guidelines, 2015. Collection method: clinical testing. Allele origin: germline.
Comment: This missense variant replaces arginine with glycine at codon 2083 of the DSP protein. Computational prediction is inconclusive regarding the impact of this variant on protein structure and function (internally defined REVEL score threshold 0.5 < inconclusive < 0.7, PMID: 27666373). To our knowledge, functional studies have not been reported for this variant. This variant has not been reported in individuals affected with DSP-related disorders in the literature. This variant has not been identified in the general population by the Genome Aggregation Database (gnomAD). The available evidence is insufficient to determine the role of this variant in disease conclusively. Therefore, this variant is classified as a Variant of Uncertain Significance.

All of Us Research Program, National Institutes of Health
Classification: Uncertain significance for Arrhythmogenic cardiomyopathy with wooly hair and keratoderma. Last evaluated: 2024-02-05. Review status: criteria provided, single submitter. Criteria: ACMG Guidelines, 2015. Collection method: clinical testing. Allele origin: germline. Inheritance: Autosomal dominant inheritance. Observed: 5 variant alleles, 5 heterozygotes.
Comment: This missense variant replaces arginine with glycine at codon 2083 of the DSP protein. Computational prediction is inconclusive regarding the impact of this variant on protein structure and function (internally defined REVEL score threshold 0.5 < inconclusive < 0.7, PMID: 27666373). To our knowledge, functional studies have not been reported for this variant. This variant has not been reported in individuals affected with DSP-related disorders in the literature. This variant has not been identified in the general population by the Genome Aggregation Database (gnomAD). The available evidence is insufficient to determine the role of this variant in disease conclusively. Therefore, this variant is classified as a Variant of Uncertain Significance.

This study involves interpretation of variants in research participants for the purpose of population health screening. Participant phenotype was not available at the time of variant classification. Additional details can be found in publication PMID: 35346344, PMCID: PMC8962531

Labcorp Genetics (formerly Invitae), Labcorp
Classification: Uncertain significance for Arrhythmogenic cardiomyopathy with wooly hair and keratoderma; Arrhythmogenic right ventricular dysplasia 8. Last evaluated: 2023-03-30. Review status: criteria provided, single submitter. Criteria: Invitae Variant Classification Sherloc (09022015). Collection method: clinical testing. Allele origin: germline.
Comment: In summary, the available evidence is currently insufficient to determine the role of this variant in disease. Therefore, it has been classified as a Variant of Uncertain Significance. An algorithm developed to predict the effect of missense changes on protein structure and function (PolyPhen-2) suggests that this variant is likely to be disruptive. ClinVar contains an entry for this variant (Variation ID: 567534). This variant has not been reported in the literature in individuals affected with DSP-related conditions. This variant is not present in population databases (gnomAD no frequency). This sequence change replaces arginine, which is basic and polar, with glycine, which is neutral and non-polar, at codon 2083 of the DSP protein (p.Arg2083Gly).

NM_004415.4(DSP):c.6247C>G (p.Arg2083Gly)

Gene: DSP (desmoplakin; plus strand). Cytogenetic location: 6p24.3.
Variant type: single nucleotide variant.
Coding change: c.6247C>G on transcript NM_004415.4 (MANE Select); coding-DNA position 6247, C replaced by G.
Protein change: p.Arg2083Gly; replaces arginine 2083 with glycine.
Molecular consequence: missense variant.
Genome position (GRCh38, 1-based): chr6:7,583,509, C>G. VCF-style: chr6-7583509-C-G. GRCh37 (hg19) VCF-style: chr6-7583742-C-G.
Other names: c.6247C>G (LRG_423t1); c.4450C>G, p.Arg1484Gly (NM_001008844.3); c.4918C>G, p.Arg1640Gly (NM_001319034.2); short protein forms R2083G, R1484G, R1640G.
Identifiers: ClinVar variation 567534 (VCV000567534.16), dbSNP rs370093129, ClinGen allele CA362690390.